The following is an entry in ClinVar:

ClinVar aggregate classification (germline): Uncertain significance (1 of 4 stars; one submission).

Conditions:
Hereditary cancer-predisposing syndrome. Also called: Neoplastic Syndromes, Hereditary; Tumor predisposition; Hereditary Cancer Syndrome; Hereditary neoplastic syndrome. Identifiers: Orphanet 140162, MedGen C0027672, MeSH D009386, MONDO:0015356.

Allele frequency attached by ClinVar (database versions not stated): ExAC 0.00002.

Submission:

Ambry Genetics
Classification: Uncertain significance for Hereditary cancer-predisposing syndrome. Last evaluated: 2021-06-10. Review status: criteria provided, single submitter. Criteria: Ambry Variant Classification Scheme 2023. Collection method: clinical testing. Allele origin: germline.
Comment: The p.E274D variant (also known as c.822A>C), located in coding exon 3 of the XRCC2 gene, results from an A to C substitution at nucleotide position 822. The glutamic acid at codon 274 is replaced by aspartic acid, an amino acid with highly similar properties. This amino acid position is conserved. In addition, this alteration is predicted to be tolerated by in silico analysis. Since supporting evidence is limited at this time, the clinical significance of this alteration remains unclear.

NM_005431.2(XRCC2):c.822A>C (p.Glu274Asp)

Gene: XRCC2 (X-ray repair cross complementing 2; minus strand). Cytogenetic location: 7q36.1.
Variant type: single nucleotide variant.
Coding change: c.822A>C on transcript NM_005431.2 (MANE Select); coding-DNA position 822, A replaced by C.
Protein change: p.Glu274Asp; replaces glutamic acid 274 with aspartic acid.
Molecular consequence: missense variant.
Genome position (GRCh38, 1-based): chr7:152,648,663, T>G on the plus strand (A>C on the coding strand, the complement: XRCC2 is on the minus strand). VCF-style: chr7-152648663-T-G. GRCh37 (hg19) VCF-style: chr7-152345748-T-G.
Other names: short protein forms E274D.
Identifiers: ClinVar variation 1762529 (VCV001762529.3), dbSNP rs749684371, ClinGen allele CA4582289.